The following is an entry in ClinVar:

ClinVar aggregate classification (germline): Likely benign. Review status: criteria provided, multiple submitters, no conflicts (2 of 4 stars). 5 submissions from 5 submitters: Likely benign (4). 1 of the submissions does not count toward it. Last evaluated 2026-08-01.

Conditions:
EPO-related disorder. Also called: EPO-related condition.

Allele frequency attached by ClinVar (database versions not stated): 1000 Genomes Project 30x 0.00141; 1000 Genomes Project 0.00160; gnomAD exomes 0.00243; gnomAD 0.00246 and 0.00274; ExAC 0.00259; TOPMed 0.00272; ESP Exome Variant Server 0.00292.
gnomAD v4.1: 6,390 of 1,612,388 alleles (0.4%); highest among the groups gnomAD compares: Non-Finnish European, 0.51%; 16 homozygotes.

Submissions (5):

CeGaT Center for Human Genetics Tuebingen
Classification: Likely benign. Last evaluated: 2026-08-01. Review status: criteria provided, single submitter. Criteria: CeGaT Center For Human Genetics Tuebingen Variant Classification Criteria Version 2. Collection method: clinical testing. Allele origin: germline. Affected: yes. Observed: 4 variant alleles.
Comment: EPO: BS2

Blueprint Genetics
Classification: Likely benign. Last evaluated: 2024-11-19. Review status: criteria provided, single submitter. Criteria: ACMG Guidelines, 2015. Collection method: clinical testing. Allele origin: germline.

Labcorp Genetics (formerly Invitae), Labcorp
Classification: Likely benign. Last evaluated: 2019-12-31. Review status: criteria provided, single submitter. Criteria: Invitae Variant Classification Sherloc (09022015). Collection method: clinical testing. Allele origin: germline.

Breakthrough Genomics
Classification: Likely benign. Review status: criteria provided, single submitter. Criteria: ACMG Guidelines, 2015. Collection method: not provided. Allele origin: germline. Inheritance: Autosomal recessive inheritance. Affected: yes.

PreventionGenetics, part of Exact Sciences
Classification: Likely benign for EPO-related condition. Last evaluated: 2023-05-23. Review status: no assertion criteria provided. Collection method: clinical testing. Allele origin: germline. Not counted in ClinVar's aggregate classification.
Comment: This variant is classified as likely benign based on ACMG/AMP sequence variant interpretation guidelines (Richards et al. 2015 PMID: 25741868, with internal and published modifications).

NM_000799.4(EPO):c.208G>A (p.Asp70Asn)

Gene: EPO (erythropoietin; plus strand). Cytogenetic location: 7q22.1.
Variant type: single nucleotide variant.
Coding change: c.208G>A on transcript NM_000799.4 (MANE Select); coding-DNA position 208, G replaced by A.
Protein change: p.Asp70Asn; replaces aspartic acid 70 with asparagine.
Molecular consequence: missense variant.
Genome position (GRCh38, 1-based): chr7:100,722,010, G>A. VCF-style: chr7-100722010-G-A. GRCh37 (hg19) VCF-style: chr7-100319633-G-A.
Other names: short protein forms D70N.
Identifiers: ClinVar variation 715578 (VCV000715578.28), dbSNP rs62483572, ClinGen allele CA4389477.